The following is an entry in ClinVar:

NM_017780.4(CHD7):c.1240A>G (p.Arg414Gly)

Gene: CHD7 (chromodomain helicase DNA binding protein 7; plus strand). Cytogenetic location: 8q12.2.
Variant type: single nucleotide variant.
Coding change: c.1240A>G on transcript NM_017780.4 (MANE Select); coding-DNA position 1240, A replaced by G.
Protein change: p.Arg414Gly; replaces arginine 414 with glycine.
Molecular consequence: missense variant.
Genome position (GRCh38, 1-based): chr8:60,742,672, A>G. VCF-style: chr8-60742672-A-G. GRCh37 (hg19) VCF-style: chr8-61655231-A-G.
Other names: c.1240A>G, p.Arg414Gly (NM_001316690.1); short protein forms R414G.
Identifiers: ClinVar variation 4881380 (VCV004881380.2).

ClinVar aggregate classification (germline): Uncertain significance (1 of 4 stars; one submission).

Submission:

Dasa
Classification: Uncertain significance. Last evaluated: 2026-03-02. Review status: criteria provided, single submitter. Criteria: DASA Assertion Criteria. Collection method: clinical testing. Allele origin: germline.
Comment: NM_017780.4(CHD7):c.1240A>G (p.Arg414Gly) is a missense variant that results in the substitution of arginine with glycine. This variant is rare in population databases. The currently available literature and clinical evidence are not sufficient to establish a definitive association between this variant and the reported condition. Therefore, this variant is classified as a variant of uncertain significance.